The following is an entry in ClinVar:

NM_007294.4(BRCA1):c.81-10A>T

Gene: BRCA1 (BRCA1 DNA repair associated; minus strand). Cytogenetic location: 17q21.31.
Variant type: single nucleotide variant.
Coding change: c.81-10A>T on transcript NM_007294.4 (MANE Select); 10 bases into the intron before coding-DNA position 81, A replaced by T.
Molecular consequence: intron variant.
Genome position (GRCh38, 1-based): chr17:43,115,789, T>A on the plus strand (A>T on the coding strand, the complement: BRCA1 is on the minus strand). VCF-style: chr17-43115789-T-A. GRCh37 (hg19) VCF-style: chr17-41267806-T-A.
Other names: c.81-10A>T (NM_001407977.1, NM_001407642.1, NM_001407625.1 and 191 more transcripts); c.-177-10A>T (NM_001407724.1, NM_001407746.1, NM_001408468.1 and 13 more transcripts); c.-61-10A>T (NM_001407697.1, NM_001407838.1, NM_001408410.1 and 47 more transcripts); c.-108-10A>T (NM_001408483.1, NM_001407885.1, NM_001407886.1 and 52 more transcripts); c.-219+9488A>T (NM_001407967.1); c.-170+9488A>T (NM_001407959.1); c.-7-9256A>T (NM_001407931.1, NM_001407747.1, NM_001408511.1 and 2 more transcripts); c.-223-10A>T (NM_001407962.1, NM_001408512.1, NM_001408510.1 and 1 more transcripts); and 10 more.
Identifiers: ClinVar variation 867768 (VCV000867768.3), dbSNP rs548497799, ClinGen allele CA916081042.
Genomic context (GRCh38, chr17:43,115,789, plus strand): 5'-CAAAATATGTGGTCACACTTTGTGGAGACAGGTTCCTTGATCAACTCCAGACTAGCAGGG[T>A]AGGGGGGGAGAAAAAGAAAATAAATGAGGCTCAATAATTTATTTAAAAATAAAGCTATTC-3'

Conditions:
Breast-ovarian cancer, familial, susceptibility to, 1 (BROVCA1). Also called: BRCA1 Hereditary Breast and Ovarian Cancer; OVARIAN CANCER, SUSCEPTIBILITY TO. Identifiers: Orphanet 145, MedGen C2676676, MONDO:0011450, OMIM 604370. Disease mechanism: loss of function.

Submission:

Brotman Baty Institute, University of Washington
No classification provided (evidence only). Condition: Breast-ovarian cancer, familial 1. Review status: no classification provided. Collection method: in vitro. Allele origin: not applicable. Functional consequence: functionally_normal.
ClinVar note: "not provided" was previously submitted as the classification for the variant. However, the classification appeared to be based only on an observation of functional data so it was converted to no classification on 2025-07-30.